The following is an entry in ClinVar:

ClinVar aggregate classification (germline): Benign/Likely benign. Review status: criteria provided, multiple submitters, no conflicts (2 of 4 stars). 2 submissions from 2 submitters: Benign (1); Likely benign (1). Last evaluated 2026-01-14.

Conditions:
Primary dilated cardiomyopathy (DCM). Also called: Dilated Cardiomyopathy. Identifiers: Orphanet 217604, MedGen C0007193, MeSH D002311, MONDO:0005021, HP:0001644. Inheritance: Various modes of inheritance.

Submissions (2):

Labcorp Genetics (formerly Invitae), Labcorp
Classification: Benign for Primary dilated cardiomyopathy. Last evaluated: 2026-01-14. Review status: criteria provided, single submitter. Criteria: Invitae Variant Classification Sherloc (09022015). Collection method: clinical testing. Allele origin: germline.

GeneDx
Classification: Likely benign. Last evaluated: 2017-11-13. Review status: criteria provided, single submitter. Criteria: GeneDx Variant Classification (06012015). Collection method: clinical testing. Allele origin: germline. Affected: yes.
Comment: This variant is considered likely benign or benign based on one or more of the following criteria: it is a conservative change, it occurs at a poorly conserved position in the protein, it is predicted to be benign by multiple in silico algorithms, and/or has population frequency not consistent with disease.

NM_006440.5(TXNRD2):c.450-15_450-14del

Gene: TXNRD2 (thioredoxin reductase 2; minus strand). Cytogenetic location: 22q11.21.
Variant type: Deletion.
Coding change: c.450-15_450-14del on transcript NM_006440.5 (MANE Select); 15 bases into the intron before coding-DNA position 450 through 14 bases into the intron before coding-DNA position 450, 2 bases deleted (AT; older notation c.450-15_450-14delAT).
Molecular consequence: intron variant.
Genome position (GRCh38, 1-based): chr22:19,915,857-19,915,858, AT deleted on the plus strand (AT on the coding strand, the reverse complement: TXNRD2 is on the minus strand); deleting any 2 consecutive bases within chr22:19,915,857-19,915,859 gives the same sequence; the c. name uses the placement nearest the transcript's 3' end. VCF-style (leftmost placement, unchanged base first): chr22-19915856-GAT-G. GRCh37 (hg19) VCF-style: chr22-19903379-GAT-G.
Other names: c.450-15_450-14delAT (NM_006440.3); c.447-15_447-14del (NM_001352300.2); c.162-15_162-14del (NM_001352302.2); c.360-15_360-14del (NM_001352301.2); c.450-15_450-14del (NM_001282512.3); c.354-15_354-14del (NM_001352303.2).
Identifiers: ClinVar variation 506765 (VCV000506765.9), dbSNP rs767787404, ClinGen allele CA10104186.